The following is an entry in ClinVar:

NM_212550.5(BLOC1S3):c.339G>A (p.Leu113=)

Gene: BLOC1S3 (biogenesis of lysosomal organelles complex 1 subunit 3; plus strand). Cytogenetic location: 19q13.32.
Variant type: single nucleotide variant.
Coding change: c.339G>A on transcript NM_212550.5 (MANE Select); coding-DNA position 339, G replaced by A.
Protein change: p.Leu113=; no amino-acid change (leucine 113 retained).
Molecular consequence: synonymous variant.
Genome position (GRCh38, 1-based): chr19:45,179,635, G>A. VCF-style: chr19-45179635-G-A. GRCh37 (hg19) VCF-style: chr19-45682893-G-A.
Other names: p.Leu113=.
Identifiers: ClinVar variation 226464 (VCV000226464.21), dbSNP rs546645333, ClinGen allele CA9510247.
Genomic context (GRCh38, chr19:45,179,635, plus strand): 5'-CTGGGGCACGGAGGAGGCCCCGGCGCCCGCCCCCGCGCGCTCGCTCCTGCAACTTCGGCT[G>A]GCGGAGAGCCAGGCGCGGCTGGACCACGACGTGGCGGCCGCCGTGAGCGGTGTCTACCGC-3'
Protein context (NP_997715.1, residues 103-123): APARSLLQLR[Leu113=]AESQARLDHD

ClinVar aggregate classification (germline): Benign/Likely benign. Review status: criteria provided, multiple submitters, no conflicts (2 of 4 stars). 6 submissions from 6 submitters: Benign (5); Likely benign (1). Last evaluated 2026-02-04.

Allele frequency attached by ClinVar (database versions not stated): 1000 Genomes Project 0.00220; 1000 Genomes Project 30x 0.00531; ExAC 0.00633; gnomAD 0.00700 and 0.00713; TOPMed 0.00743; gnomAD exomes 0.00901 and 0.00904.
gnomAD v4.1: 13,020 of 1,472,916 alleles (0.88%); highest among the groups gnomAD compares: Middle Eastern, 2.6%; 75 homozygotes.

Submissions (6):

Labcorp Genetics (formerly Invitae), Labcorp
Classification: Benign. Last evaluated: 2026-02-04. Review status: criteria provided, single submitter. Criteria: Invitae Variant Classification Sherloc (09022015). Collection method: clinical testing. Allele origin: germline.

Blueprint Genetics
Classification: Likely benign. Last evaluated: 2024-11-27. Review status: criteria provided, single submitter. Criteria: ACMG Guidelines, 2015. Collection method: clinical testing. Allele origin: germline.

Mayo Clinic Laboratories, Mayo Clinic
Classification: Benign. Last evaluated: 2024-02-13. Review status: criteria provided, single submitter. Criteria: ACMG Guidelines, 2015. Collection method: clinical testing. Allele origin: germline. Observed: 8 variant alleles.
Comment: BS1, BS2, BP4, BP7

Genetic Services Laboratory, University of Chicago
Classification: Benign. Last evaluated: 2020-03-30. Review status: criteria provided, single submitter. Criteria: ACMG Guidelines, 2015. Collection method: clinical testing. Allele origin: germline. Affected: no.

Laboratory for Molecular Medicine, Mass General Brigham Personalized Medicine
Classification: Benign. Last evaluated: 2015-03-12. Review status: criteria provided, single submitter. Criteria: LMM Criteria. Collection method: clinical testing. Allele origin: germline. Observed: 2 variant alleles.
Comment: p.Leu113Leu in exon 2 of BLOC1S3: This variant is not expected to have clinical significance because it does not alter an amino acid residue and is not located within the splice consensus sequence. It has been identified in 1.4% (29/2132) o f European chromosomes by the Exome Aggregation Consortium (ExAC; dbSNP rs546645333).

Breakthrough Genomics
Classification: Benign. Review status: criteria provided, single submitter. Criteria: ACMG Guidelines, 2015. Collection method: not provided. Allele origin: germline. Inheritance: Autosomal recessive inheritance. Affected: yes.